The following is an entry in ClinVar:

NM_001134831.2(AHI1):c.2961+6_2961+7insGAC

Gene: AHI1 (Abelson helper integration site 1; minus strand). Cytogenetic location: 6q23.3.
Variant type: Insertion.
Coding change: c.2961+6_2961+7insGAC on transcript NM_001134831.2 (MANE Select); bases 6 to 7 of the intron after coding-DNA position 2961, GAC inserted.
Molecular consequence: intron variant.
Genome position: GRCh38 VCF-style: chr6-135411341-A-AGTC. GRCh37 (hg19) VCF-style: chr6-135732479-A-AGTC.
Other names: c.2961+6_2961+7insGAC (NM_001134830.2, NM_001350503.2, NM_017651.5 and 2 more transcripts).
Identifiers: ClinVar variation 220132 (VCV000220132.12), dbSNP rs780835322, ClinGen allele CA350352.

ClinVar aggregate classification (germline): Benign/Likely benign. Review status: criteria provided, multiple submitters, no conflicts (2 of 4 stars). 2 submissions from 2 submitters: Benign (1); Likely benign (1). Last evaluated 2024-05-22.

Conditions:
Joubert syndrome. Also called: CEREBELLOPARENCHYMAL DISORDER IV; JOUBERT-BOLTSHAUSER SYNDROME; Familial aplasia of the vermis. Identifiers: Orphanet 475, MedGen C5979921, MONDO:0018772.

Allele frequency attached by ClinVar (database versions not stated): 1000 Genomes Project 30x 0.00734; gnomAD 0.00961 and 0.00980; gnomAD exomes 0.01099 and 0.01236; ExAC 0.01161.

Submissions (2):

Labcorp Genetics (formerly Invitae), Labcorp
Classification: Likely benign for Joubert syndrome. Last evaluated: 2024-05-22. Review status: criteria provided, single submitter. Criteria: Invitae Variant Classification Sherloc (09022015). Collection method: clinical testing. Allele origin: germline.

GeneDx
Classification: Benign. Last evaluated: 2019-11-26. Review status: criteria provided, single submitter. Criteria: GeneDx Variant Classification Process June 2021. Collection method: clinical testing. Allele origin: germline. Affected: yes.
Comment: This variant is associated with the following publications: (PMID: 31054281)